The following is an entry in ClinVar:

ClinVar aggregate classification (germline): Uncertain significance. Review status: criteria provided, multiple submitters, no conflicts (2 of 4 stars). 2 submissions from 2 submitters: Uncertain significance (2). Last evaluated 2024-09-23.

Allele frequency attached by ClinVar (database versions not stated): ExAC 0.00002; gnomAD exomes 0.00002; gnomAD 0.00003.

Submissions (2):

Labcorp Genetics (formerly Invitae), Labcorp
Classification: Uncertain significance. Last evaluated: 2024-09-23. Review status: criteria provided, single submitter. Criteria: Invitae Variant Classification Sherloc (09022015). Collection method: clinical testing. Allele origin: germline.
Comment: This sequence change replaces proline, which is neutral and non-polar, with serine, which is neutral and polar, at codon 734 of the KIF23 protein (p.Pro734Ser). This variant is present in population databases (rs559197892, gnomAD 0.007%). This variant has not been reported in the literature in individuals affected with KIF23-related conditions. ClinVar contains an entry for this variant (Variation ID: 2433142). An algorithm developed to predict the effect of missense changes on protein structure and function outputs the following: PolyPhen-2: "Benign". The serine amino acid residue is found in multiple mammalian species, which suggests that this missense change does not adversely affect protein function. In summary, the available evidence is currently insufficient to determine the role of this variant in disease. Therefore, it has been classified as a Variant of Uncertain Significance.

Revvity Omics, Revvity
Classification: Uncertain significance. Last evaluated: 2021-12-02. Review status: criteria provided, single submitter. Criteria: ACMG Guidelines, 2015. Collection method: clinical testing. Allele origin: germline.

NM_001367805.3(KIF23):c.2242C>T (p.Pro748Ser)

Gene: KIF23 (kinesin family member 23; plus strand). Cytogenetic location: 15q23.
Variant type: single nucleotide variant.
Coding change: c.2242C>T on transcript NM_001367805.3 (MANE Select); coding-DNA position 2242, C replaced by T.
Protein change: p.Pro748Ser; replaces proline 748 with serine.
Molecular consequence: missense variant. On other transcripts: non-coding transcript variant (1), intron variant (1).
Genome position (GRCh38, 1-based): chr15:69,440,900, C>T. VCF-style: chr15-69440900-C-T. GRCh37 (hg19) VCF-style: chr15-69733239-C-T.
Other names: c.1870C>T, p.Pro624Ser (NM_001281301.2); c.2200C>T, p.Pro734Ser (NM_001367804.2, NM_138555.4); c.2067+413C>T (NM_004856.7); short protein forms P624S, P734S, P748S.
Identifiers: ClinVar variation 2433142 (VCV002433142.5), dbSNP rs559197892, ClinGen allele CA7635357.
Genomic context (GRCh38, chr15:69,440,900, plus strand): 5'-TCTAACTCTTGCAGCAGCATTTCTGTAGCTTCCTGTATTTCGGAATGGGAGCAGAAAATT[C>T]CTACGTACAACACACCTCTCAAAGTCACATCTATTGCAAGGCGTAGGCAGCAGGAGCCAG-3'
Protein context (NP_001354734.1, residues 738-758): SCISEWEQKI[Pro748Ser]TYNTPLKVTS